The following is an entry in ClinVar:

NM_000554.6(CRX):c.597C>T (p.Ser199=)

Gene: CRX (cone-rod homeobox; plus strand). Cytogenetic location: 19q13.33.
Variant type: single nucleotide variant.
Coding change: c.597C>T on transcript NM_000554.6 (MANE Select); coding-DNA position 597, C replaced by T.
Protein change: p.Ser199=; no amino-acid change (serine 199 retained).
Molecular consequence: synonymous variant.
Genome position (GRCh38, 1-based): chr19:47,839,664, C>T. VCF-style: chr19-47839664-C-T. GRCh37 (hg19) VCF-style: chr19-48342921-C-T.
Other names: c.597C>T (NM_000554.5).
Identifiers: ClinVar variation 99617 (VCV000099617.18), dbSNP rs61748455, ClinGen allele CA227639.
Genomic context (GRCh38, chr19:47,839,664, plus strand): 5'-GGTGGCCTCAGGGCCGTCTCTGACCTCCGCCCCCTATGCCATGACCTACGCCCCGGCCTC[C>T]GCTTTCTGCTCTTCCCCCTCCGCCTATGGGTCTCCGAGCTCCTATTTCAGCGGCCTAGAC-3'
Protein context (NP_000545.1, residues 189-209): APYAMTYAPA[Ser199=]AFCSSPSAYG

ClinVar aggregate classification (germline): Conflicting classifications of pathogenicity. Review status: criteria provided, conflicting classifications (1 of 4 stars). 7 submissions from 5 submitters: Uncertain significance (1); Likely benign (4). 2 of the submissions do not count toward it. Last evaluated 2026-01-18.

Conditions:
CRX-related disorder. Also called: CRX-related condition.
Leber congenital amaurosis 7 (LCA7). Identifiers: Orphanet 65, MedGen C3151192, MONDO:0013449, OMIM 613829.
Cone-rod dystrophy 2 (CORD2). Also called: CONE-ROD RETINAL DYSTROPHY; Cone-rod retinal dystrophy 2. Identifiers: Orphanet 1872, MedGen C3489532, MONDO:0007362, OMIM 120970.
Retinitis pigmentosa (RP). Identifiers: Orphanet 791, MedGen C0035334, MeSH D012174, MONDO:0019200, OMIM 268000. Inheritance: Autosomal dominant, autosomal recessive and X linked inheritance.

Allele frequency attached by ClinVar (database versions not stated): ESP Exome Variant Server 0.00023; gnomAD exomes 0.00030 and 0.00062; gnomAD 0.00032 and 0.00033; TOPMed 0.00036; ExAC 0.00047.
gnomAD v4.1: 536 of 1,613,532 alleles (0.033%); highest among the groups gnomAD compares: Middle Eastern, 0.016%; 2 homozygotes.

Submissions (7):

Labcorp Genetics (formerly Invitae), Labcorp
Classification: Likely benign for Cone-rod dystrophy 2; Leber congenital amaurosis 7. Last evaluated: 2026-01-18. Review status: criteria provided, single submitter. Criteria: Invitae Variant Classification Sherloc (09022015). Collection method: clinical testing. Allele origin: germline.

Blueprint Genetics
Classification: Likely benign. Last evaluated: 2024-10-09. Review status: criteria provided, single submitter. Criteria: ACMG Guidelines, 2015. Collection method: clinical testing. Allele origin: germline.

Illumina Laboratory Services, Illumina
Classification: Likely benign for Cone-rod dystrophy 2. Last evaluated: 2018-01-13. Review status: criteria provided, single submitter. Criteria: ICSL Variant Classification Criteria 13 December 2019. Collection method: clinical testing. Allele origin: germline.
Comment: This variant was observed in the ICSL laboratory as part of a predisposition screen in an ostensibly healthy population. It had not been previously curated by ICSL or reported in the Human Gene Mutation Database (HGMD: prior to June 1st, 2018), and was therefore a candidate for classification through an automated scoring system. Utilizing variant allele frequency, disease prevalence and penetrance estimates, and inheritance mode, an automated score was calculated to assess if this variant is too frequent to cause the disease. Based on the score and internal cut-off values, a variant classified as likely benign is not then subjected to further curation. The score for this variant resulted in a classification of likely benign for this disease.

Illumina Laboratory Services, Illumina
Classification: Uncertain significance for Leber congenital amaurosis 7. Last evaluated: 2018-01-13. Review status: criteria provided, single submitter. Criteria: ICSL Variant Classification Criteria 13 December 2019. Collection method: clinical testing. Allele origin: germline.

Illumina Laboratory Services, Illumina
Classification: Likely benign for Retinitis pigmentosa. Last evaluated: 2018-01-13. Review status: criteria provided, single submitter. Criteria: ICSL Variant Classification Criteria 13 December 2019. Collection method: clinical testing. Allele origin: germline.
Comment: the same text as in the submission from Illumina Laboratory Services, Illumina above.

PreventionGenetics, part of Exact Sciences
Classification: Benign for CRX-related condition. Last evaluated: 2019-06-24. Review status: no assertion criteria provided. Collection method: clinical testing. Allele origin: germline. Not counted in ClinVar's aggregate classification.
Comment: This variant is classified as benign based on ACMG/AMP sequence variant interpretation guidelines (Richards et al. 2015 PMID: 25741868, with internal and published modifications).

Retina International
No classification provided. Review status: no classification provided. Collection method: not provided. Allele origin: not provided. Not counted in ClinVar's aggregate classification.